The following is an entry in ClinVar:

ClinVar aggregate classification (germline): Uncertain significance (1 of 4 stars; one submission).

Conditions:
OTOGL-related disorder. Also called: OTOGL-related condition.

gnomAD v4.1: 38 of 1,613,804 alleles (0.0024%); highest among the groups gnomAD compares: South Asian, 0.021%; no homozygotes.

Submission:

PreventionGenetics, part of Exact Sciences
Classification: Uncertain significance for OTOGL-related condition. Last evaluated: 2025-05-15. Review status: criteria provided, single submitter. Criteria: ACMG Guidelines, 2015. Collection method: clinical testing. Allele origin: germline.
Comment: The OTOGL c.2081G>A variant is predicted to result in the amino acid substitution p.Arg694His. To our knowledge, this variant has not been reported in the literature. This variant is reported in 0.029% of alleles in individuals of South Asian descent in gnomAD. At this time, the clinical significance of this variant is uncertain due to the absence of conclusive functional and genetic evidence.

NM_001378609.3(OTOGL):c.2108G>A (p.Arg703His)

Gene: OTOGL (otogelin like; plus strand). Cytogenetic location: 12q21.31.
Variant type: single nucleotide variant.
Coding change: c.2108G>A on transcript NM_001378609.3 (MANE Select); coding-DNA position 2108, G replaced by A.
Protein change: p.Arg703His; replaces arginine 703 with histidine.
Molecular consequence: missense variant.
Genome position (GRCh38, 1-based): chr12:80,265,094, G>A. VCF-style: chr12-80265094-G-A. GRCh37 (hg19) VCF-style: chr12-80658874-G-A.
Other names: c.2108G>A, p.Arg703His (NM_001368062.3, NM_001378610.3, NM_173591.7); short protein forms R703H.
Identifiers: ClinVar variation 4980218 (VCV004980218.1).
Genomic context (GRCh38, chr12:80,265,094, plus strand): 5'-AGGAGCTCTTTGCTCCTTGCCACATCTATATTAGCCCTGGGCTGTACTATCAGCTATGCC[G>A]CCACGATGCATGCAAGTGTGGAAGCTCCTGCCTGTGCAATGCTCTTGCCCACTATGCCTA-3'
Protein context (NP_001365538.2, residues 693-713): ISPGLYYQLC[Arg703His]HDACKCGSSC